The following is an entry in ClinVar:

NM_000540.3(RYR1):c.7614G>A (p.Thr2538=)

Gene: RYR1 (ryanodine receptor 1; plus strand). Cytogenetic location: 19q13.2.
Variant type: single nucleotide variant.
Coding change: c.7614G>A on transcript NM_000540.3 (MANE Select); coding-DNA position 7614, G replaced by A.
Protein change: p.Thr2538=; no amino-acid change (threonine 2538 retained).
Molecular consequence: synonymous variant.
Genome position (GRCh38, 1-based): chr19:38,500,990, G>A. VCF-style: chr19-38500990-G-A. GRCh37 (hg19) VCF-style: chr19-38991630-G-A.
Other names: c.7614G>A, p.Thr2538= (NM_001042723.2).
Identifiers: ClinVar variation 3074511 (VCV003074511.4), dbSNP rs1207360336, ClinGen allele CA507354127.

ClinVar aggregate classification (germline): Conflicting classifications of pathogenicity. Review status: criteria provided, conflicting classifications (1 of 4 stars). 3 submissions from 3 submitters: Uncertain significance (1); Likely benign (2). Last evaluated 2025-04-30.

Conditions:
RYR1-related disorder. Also called: RYR1-related condition; RYR1-related disorders. Identifiers: MedGen CN239331.
Malignant hyperthermia, susceptibility to, 1 (MHS1). Also called: Anesthesia related hyperthermia; Malignant hyperpyrexia; Fulminating hyperpyrexia; Pharmacogenic myopathy; RYR1-Related Malignant Hyperthermia Susceptibility; Malignant hyperthermia suceptibility 1. Identifiers: Orphanet 423, MedGen C2930980, MONDO:0007783, OMIM 145600.

Allele frequency attached by ClinVar (database versions not stated): gnomAD exomes 0.00001.
gnomAD v4.1: 7 of 1,612,962 alleles (0.00043%); highest among the groups gnomAD compares: East Asian, 0.0022%; no homozygotes.

Submissions (3):

Labcorp Genetics (formerly Invitae), Labcorp
Classification: Uncertain significance for RYR1-related disorder. Last evaluated: 2025-04-30. Review status: criteria provided, single submitter. Criteria: Invitae Variant Classification Sherloc (09022015). Collection method: clinical testing. Allele origin: germline.
Comment: This sequence change affects codon 2538 of the RYR1 mRNA. It is a 'silent' change, meaning that it does not change the encoded amino acid sequence of the RYR1 protein. This variant also falls at the last nucleotide of exon 47, which is part of the consensus splice site for this exon. This variant is present in population databases (no rsID available, gnomAD 0.01%). This variant has not been reported in the literature in individuals affected with RYR1-related conditions. ClinVar contains an entry for this variant (Variation ID: 3074511). Variants that disrupt the consensus splice site are a relatively common cause of aberrant splicing (PMID: 17576681, 9536098). Algorithms developed to predict the effect of sequence changes on RNA splicing suggest that this variant may create or strengthen a splice site. In summary, the available evidence is currently insufficient to determine the role of this variant in disease. Therefore, it has been classified as a Variant of Uncertain Significance.

All of Us Research Program, National Institutes of Health
Classification: Likely benign for Malignant hyperthermia, susceptibility to, 1. Last evaluated: 2023-11-20. Review status: criteria provided, single submitter. Criteria: ACMG Guidelines, 2015. Collection method: clinical testing. Allele origin: germline. Inheritance: Autosomal dominant inheritance. Observed: 1 variant allele, 1 heterozygote.
Comment: This study involves interpretation of variants in research participants for the purpose of population health screening. Participant phenotype was not available at the time of variant classification. Additional details can be found in publication PMID: 35346344, PMCID: PMC8962531

Color Diagnostics, LLC DBA Color Health
Classification: Likely benign for Malignant hyperthermia, susceptibility to, 1. Last evaluated: 2023-11-01. Review status: criteria provided, single submitter. Criteria: ACMG Guidelines, 2015. Collection method: clinical testing. Allele origin: germline.

Literature cited by the submitters: PubMed 17576681 (cited by Labcorp Genetics (formerly Invitae), Labcorp); PubMed 9536098 (cited by Labcorp Genetics (formerly Invitae), Labcorp).